The following is an entry in ClinVar:

ClinVar aggregate classification (germline): Uncertain significance (1 of 4 stars; one submission).

Submission:

GeneDx
Classification: Uncertain significance. Last evaluated: 2022-05-02. Review status: criteria provided, single submitter. Criteria: GeneDx Variant Classification Process June 2021. Collection method: clinical testing. Allele origin: germline. Affected: yes.
Comment: Not observed in large population cohorts (gnomAD); Nonsense variant predicted to result in protein truncation as the last 7 amino acids are lost, although loss-of-function variants have not been reported downstream of this position in the protein; Has not been previously published as pathogenic or benign to our knowledge

NM_001273.5(CHD4):c.5716C>T (p.Gln1906Ter)

Genes: CHD4 (chromodomain helicase DNA binding protein 4; minus strand), CHD4-AS1 (CHD4 antisense RNA 1; plus strand). Cytogenetic location: 12p13.31.
Variant type: single nucleotide variant.
Coding change: c.5716C>T on transcript NM_001273.5 (MANE Select); coding-DNA position 5716, C replaced by T.
Protein change: p.Gln1906Ter; replaces glutamine 1906 with a stop codon.
Molecular consequence: nonsense.
Genome position (GRCh38, 1-based): chr12:6,570,874, G>A on the plus strand (C>T on the coding strand, the complement: CHD4 is on the minus strand). VCF-style: chr12-6570874-G-A. GRCh37 (hg19) VCF-style: chr12-6680040-G-A.
Other names: c.5695C>T, p.Gln1899Ter (NM_001297553.2); c.5686C>T, p.Gln1896Ter (NM_001363606.2); short protein forms Q1896*, Q1899*, Q1906*.
Identifiers: ClinVar variation 1683814 (VCV001683814.2), dbSNP rs2136189096, ClinGen allele CA383635104.
Genomic context (GRCh38, chr12:6,570,874, plus strand): 5'-AAGCTCCAGAATGGTTCTGCAGGAAGAGGTGGTGTCAAGAAGAAAATGGTCCTACCTGCT[G>A]TGGGGTAGGTTCGGGTGCCCGGTTTGCCAGGCGGCTGAGAATGTTACGCTCTGACATCTG-3'